The following is an entry in ClinVar:

ClinVar aggregate classification (germline): Uncertain significance (1 of 4 stars; one submission).

Conditions:
Cardiomyopathy (CMYO). Also called: Cardiomyopathies. Identifiers: Orphanet 167848, MedGen C0878544, MONDO:0004994, HP:0001638. Inheritance: Various modes of inheritance.

Submission:

All of Us Research Program, National Institutes of Health
Classification: Uncertain significance for Cardiomyopathy. Last evaluated: 2023-08-23. Review status: criteria provided, single submitter. Criteria: ACMG Guidelines, 2015. Collection method: clinical testing. Allele origin: germline. Inheritance: Autosomal dominant inheritance. Observed: 1 variant allele, 1 heterozygote.
Comment: This missense variant replaces lysine with glutamine at codon 1838 of the MYH7 protein. Computational prediction is inconclusive regarding the impact of this variant on protein structure and function (internally defined REVEL score threshold 0.5 < inconclusive < 0.7, PMID: 27666373). To our knowledge, functional studies have not been reported for this variant. This variant has not been reported in individuals affected with MYH7-related disorders in the literature. This variant has not been identified in the general population by the Genome Aggregation Database (gnomAD). The available evidence is insufficient to determine the role of this variant in disease conclusively. Therefore, this variant is classified as a Variant of Uncertain Significance.

This study involves interpretation of variants in research participants for the purpose of population health screening. Participant phenotype was not available at the time of variant classification. Additional details can be found in publication PMID: 35346344, PMCID: PMC8962531

NM_000257.4(MYH7):c.5512A>C (p.Lys1838Gln)

Gene: MYH7 (myosin heavy chain 7; minus strand). Cytogenetic location: 14q11.2.
Variant type: single nucleotide variant.
Coding change: c.5512A>C on transcript NM_000257.4 (MANE Select); coding-DNA position 5512, A replaced by C.
Protein change: p.Lys1838Gln; replaces lysine 1838 with glutamine.
Molecular consequence: missense variant.
Genome position (GRCh38, 1-based): chr14:23,415,042, T>G on the plus strand (A>C on the coding strand, the complement: MYH7 is on the minus strand). VCF-style: chr14-23415042-T-G. GRCh37 (hg19) VCF-style: chr14-23884251-T-G.
Other names: c.5512A>C, p.Lys1838Gln (NM_001407004.1); short protein forms K1838Q.
Identifiers: ClinVar variation 3073080 (VCV003073080.1), dbSNP rs2502238643, ClinGen allele CA389035099.